The following is an entry in ClinVar:

ClinVar aggregate classification (germline): Uncertain significance (1 of 4 stars; one submission).

Allele frequency attached by ClinVar (database versions not stated): gnomAD 0.00002; TOPMed 0.00003; ExAC 0.00006.
gnomAD v4.1: 135 of 1,613,894 alleles (0.0084%); highest among the groups gnomAD compares: South Asian, 0.015%; no homozygotes.

Submission:

Labcorp Genetics (formerly Invitae), Labcorp
Classification: Uncertain significance. Last evaluated: 2024-07-25. Review status: criteria provided, single submitter. Criteria: Invitae Variant Classification Sherloc (09022015). Collection method: clinical testing. Allele origin: germline.
Comment: This sequence change creates a premature translational stop signal (p.Arg1031*) in the MICAL1 gene. While this is not anticipated to result in nonsense mediated decay, it is expected to disrupt the last 56 amino acid(s) of the MICAL1 protein. This variant is present in population databases (rs201978922, gnomAD 0.02%). This variant has not been reported in the literature in individuals affected with MICAL1-related conditions. ClinVar contains an entry for this variant (Variation ID: 2146955). Experimental studies and prediction algorithms are not available or were not evaluated, and the functional significance of this variant is currently unknown. In summary, the available evidence is currently insufficient to determine the role of this variant in disease. Therefore, it has been classified as a Variant of Uncertain Significance.

NM_022765.4(MICAL1):c.3034C>T (p.Arg1012Ter)

Gene: MICAL1 (microtubule associated monooxygenase, calponin and LIM domain containing 1; minus strand). Cytogenetic location: 6q21.
Variant type: single nucleotide variant.
Coding change: c.3034C>T on transcript NM_022765.4 (MANE Select); coding-DNA position 3034, C replaced by T.
Protein change: p.Arg1012Ter; replaces arginine 1012 with a stop codon.
Molecular consequence: nonsense.
Genome position (GRCh38, 1-based): chr6:109,444,746, G>A on the plus strand (C>T on the coding strand, the complement: MICAL1 is on the minus strand). VCF-style: chr6-109444746-G-A. GRCh37 (hg19) VCF-style: chr6-109765949-G-A.
Other names: c.2776C>T, p.Arg926Ter (NM_001159291.2); c.3091C>T, p.Arg1031Ter (NM_001286613.2); short protein forms R1012*, R1031*, R926*.
Identifiers: ClinVar variation 2146955 (VCV002146955.3), dbSNP rs201978922, ClinGen allele CA3952671.